The following is an entry in ClinVar:

ClinVar aggregate classification (germline): Likely pathogenic. Review status: criteria provided, single submitter (1 of 4 stars). 2 submissions from 2 submitters: Likely pathogenic (1). 1 of the submissions does not count toward it. Last evaluated 2023-08-31.

Conditions:
Sandhoff disease. Also called: GM2-GANGLIOSIDOSIS, TYPE II; HEXOSAMINIDASES A AND B DEFICIENCY; Beta-hexosaminidase-beta-subunit deficiency; GM2 gangliosidosis, type 2; Total hexosaminidase deficiency; Sandhoff-Jatzkewitz-Pilz disease. Identifiers: Orphanet 796, MedGen C0036161, MONDO:0010006, OMIM 268800.

Submissions (2):

Women's Health and Genetics/Laboratory Corporation of America, LabCorp
Classification: Likely pathogenic for Sandhoff disease. Last evaluated: 2023-08-31. Review status: criteria provided, single submitter. Criteria: LabCorp Variant Classification Summary - May 2015. Collection method: clinical testing. Allele origin: germline.
Comment: Variant summary: HEXB c.512-1G>T is located in a canonical splice-site and is predicted to affect mRNA splicing resulting in a significantly altered protein due to either exon skipping, shortening, or inclusion of intronic material. Several computational tools predict a significant impact on normal splicing: Three predict the variant abolishes a canonical 3' splicing acceptor site. These three tools also predict the variant creates or strengthens a cryptic 3' acceptor site 6 nucleotides downstream of the canonical site. At least one publication reports experimental evidence that this variant affects mRNA splicing, finding that a patient with the variant expresses transcripts lacking the first 6 nucleotides of exon 4, which is predicted to result in an in-frame deletion of the G171 and L172 residues (Zampieri_2008), located in the Beta-hexosaminidase, eukaryotic type, N-terminal domain (IPR029019) of the encoded protein. The variant was absent in 247230 control chromosomes (gnomAD). c.512-1G>T has been reported in the literature in an individual affected with Sandhoff Disease (Zampieri_2008). This patient was reported as compound heterozygous with another variant (c.299G>T) predicted to have a splicing impact, and RT-PCR and sequencing analysis did not find a transcript associated with this allele, indicating it produces an unstable transcript. These data suggest that c.512-1G>T is likely associated with disease. The following publication has been ascertained in the context of this evaluation (PMID: 18758829). One submitter has cited a clinical-significance assessment for this variant to ClinVar after 2014 and has classified the variant as likely pathogenic. Based on the evidence outlined above, the variant was classified as likely pathogenic.

Counsyl
Classification: Likely pathogenic for Sandhoff disease. Last evaluated: 2018-03-12. Review status: no assertion criteria provided. Collection method: clinical testing. Allele origin: unknown. Not counted in ClinVar's aggregate classification.

Literature cited by the submitters: PubMed 18758829 (cited by Women's Health and Genetics/Laboratory Corporation of America, LabCorp and Counsyl); PubMed 25525159 (cited by Counsyl).

NM_000521.4(HEXB):c.512-1G>T

Gene: HEXB (hexosaminidase subunit beta; plus strand). Cytogenetic location: 5q13.3.
Variant type: single nucleotide variant.
Coding change: c.512-1G>T on transcript NM_000521.4 (MANE Select); the canonical splice acceptor site of the intron before coding-DNA position 512, G replaced by T.
Molecular consequence: splice acceptor variant.
Genome position (GRCh38, 1-based): chr5:74,696,692, G>T. VCF-style: chr5-74696692-G-T. GRCh37 (hg19) VCF-style: chr5-73992517-G-T.
Other names: c.-164-1G>T (NM_001292004.2).
Identifiers: ClinVar variation 557184 (VCV000557184.3), dbSNP rs1554035308, ClinGen allele CA360063551.